The following is an entry in ClinVar:

NM_001378030.1(CCDC78):c.47G>C (p.Arg16Pro)

Gene: CCDC78 (coiled-coil domain containing 78; minus strand). Cytogenetic location: 16p13.3.
Variant type: single nucleotide variant.
Coding change: c.47G>C on transcript NM_001378030.1 (MANE Select); coding-DNA position 47, G replaced by C.
Protein change: p.Arg16Pro; replaces arginine 16 with proline.
Molecular consequence: missense variant. On other transcripts: non-coding transcript variant (3), intron variant (1).
Genome position (GRCh38, 1-based): chr16:726,321, C>G on the plus strand (G>C on the coding strand, the complement: CCDC78 is on the minus strand). VCF-style: chr16-726321-C-G. GRCh37 (hg19) VCF-style: chr16-776321-C-G.
Other names: c.47G>C, p.Arg16Pro (NM_001378031.1, NM_001031737.3); c.-225-236G>C (NM_001378033.1); short protein forms R16P.
Identifiers: ClinVar variation 1051830 (VCV001051830.10), dbSNP rs117949611, ClinGen allele CA394106289.
Genomic context (GRCh38, chr16:726,321, plus strand): 5'-GCAGACTTCAACCCCATGGCAGGAGCGGCAAGTCCCAGAGGACTCACATTCTCCACCCGC[C>G]GAGAGGGAGGTCCAGGCCTGGGGCCTGTGGTGGCTGCGTGCTCCATAGGCTAGGGAACCC-3'
Protein context (NP_001364959.1, residues 6-26): TTGPRPGPPS[Arg16Pro]RVENVVLRAK

ClinVar aggregate classification (germline): Uncertain significance (1 of 4 stars; one submission).

Conditions:
Congenital myopathy with internal nuclei and atypical cores. Also called: Myopathy, centronuclear, 4. Identifiers: Orphanet 319160, MedGen C4707232, MONDO:0013890, OMIM 614807.

gnomAD v4.1: 6 of 1,548,422 alleles (0.00039%); highest among the groups gnomAD compares: Non-Finnish European, 0.00052%; no homozygotes.

Submission:

Labcorp Genetics (formerly Invitae), Labcorp
Classification: Uncertain significance for Congenital myopathy with internal nuclei and atypical cores. Last evaluated: 2022-06-13. Review status: criteria provided, single submitter. Criteria: Invitae Variant Classification Sherloc (09022015). Collection method: clinical testing. Allele origin: germline.
Comment: This variant has not been reported in the literature in individuals affected with CCDC78-related conditions. In summary, the available evidence is currently insufficient to determine the role of this variant in disease. Therefore, it has been classified as a Variant of Uncertain Significance. Algorithms developed to predict the effect of missense changes on protein structure and function are either unavailable or do not agree on the potential impact of this missense change (SIFT: "Deleterious"; PolyPhen-2: "Benign"; Align-GVGD: "Class C0"). ClinVar contains an entry for this variant (Variation ID: 1051830). This variant is not present in population databases (gnomAD no frequency). This sequence change replaces arginine, which is basic and polar, with proline, which is neutral and non-polar, at codon 16 of the CCDC78 protein (p.Arg16Pro).